The following is an entry in ClinVar:

ClinVar aggregate classification (germline): Uncertain significance. Review status: criteria provided, multiple submitters, no conflicts (2 of 4 stars). 2 submissions from 2 submitters: Uncertain significance (2). Last evaluated 2024-03-13.

Conditions:
Cystinuria (CSNU). Also called: CYSTINURIA, TYPE I; CYSTINURIA, TYPE II; CYSTINURIA, TYPE III; Cystinuria, non-type I. Identifiers: Orphanet 214, MedGen C0010691, MONDO:0009067, OMIM 220100, HP:0003131.

gnomAD v4.1: 31 of 1,613,980 alleles (0.0019%); highest among the groups gnomAD compares: Non-Finnish European, 0.0025%; no homozygotes.

Submissions (2):

Labcorp Genetics (formerly Invitae), Labcorp
Classification: Uncertain significance. Last evaluated: 2024-03-13. Review status: criteria provided, single submitter. Criteria: Invitae Variant Classification Sherloc (09022015). Collection method: clinical testing. Allele origin: germline.
Comment: This sequence change replaces threonine, which is neutral and polar, with isoleucine, which is neutral and non-polar, at codon 399 of the SLC7A9 protein (p.Thr399Ile). This variant is present in population databases (rs143927415, gnomAD 0.002%). This variant has not been reported in the literature in individuals affected with SLC7A9-related conditions. Advanced modeling of protein sequence and biophysical properties (such as structural, functional, and spatial information, amino acid conservation, physicochemical variation, residue mobility, and thermodynamic stability) performed at Invitae indicates that this missense variant is not expected to disrupt SLC7A9 protein function with a negative predictive value of 80%. In summary, the available evidence is currently insufficient to determine the role of this variant in disease. Therefore, it has been classified as a Variant of Uncertain Significance.

Fulgent Genetics
Classification: Uncertain significance for Cystinuria. Last evaluated: 2023-12-23. Review status: criteria provided, single submitter. Criteria: ACMG Guidelines, 2015. Collection method: clinical testing. Allele origin: germline.

NM_014270.5(SLC7A9):c.1196C>T (p.Thr399Ile)

Gene: SLC7A9 (solute carrier family 7 member 9; minus strand). Cytogenetic location: 19q13.11.
Variant type: single nucleotide variant.
Coding change: c.1196C>T on transcript NM_014270.5 (MANE Select); coding-DNA position 1196, C replaced by T.
Protein change: p.Thr399Ile; replaces threonine 399 with isoleucine.
Molecular consequence: missense variant.
Genome position (GRCh38, 1-based): chr19:32,842,196, G>A on the plus strand (C>T on the coding strand, the complement: SLC7A9 is on the minus strand). VCF-style: chr19-32842196-G-A. GRCh37 (hg19) VCF-style: chr19-33333102-G-A.
Other names: c.1196C>T, p.Thr399Ile (NM_001126335.2, NM_001243036.2); short protein forms T399I.
Identifiers: ClinVar variation 3583581 (VCV003583581.3).